The following is an entry in ClinVar:

ClinVar aggregate classification (germline): Conflicting classifications of pathogenicity. Review status: criteria provided, conflicting classifications (1 of 4 stars). 5 submissions from 5 submitters: Uncertain significance (2); Benign (1); Likely benign (2). Last evaluated 2025-05-04.

Conditions:
Hypertrophic cardiomyopathy 14. Identifiers: MedGen C2750467, MONDO:0013197, OMIM 613251.
Cardiovascular phenotype. Identifiers: MedGen CN230736.

Allele frequency attached by ClinVar (database versions not stated): TOPMed 0.00005; gnomAD 0.00006 and 0.00013; gnomAD exomes 0.00009 and 0.00017; ExAC 0.00014.
gnomAD v4.1: 162 of 1,613,984 alleles (0.01%); highest among the groups gnomAD compares: South Asian, 0.098%; no homozygotes.

Submissions (5):

Labcorp Genetics (formerly Invitae), Labcorp
Classification: Likely benign for Hypertrophic cardiomyopathy 14. Last evaluated: 2025-05-04. Review status: criteria provided, single submitter. Criteria: Invitae Variant Classification Sherloc (09022015). Collection method: clinical testing. Allele origin: germline.

Blueprint Genetics
Classification: Likely benign. Last evaluated: 2023-11-02. Review status: criteria provided, single submitter. Criteria: ACMG Guidelines, 2015. Collection method: clinical testing. Allele origin: germline.

Ambry Genetics
Classification: Uncertain significance for Cardiovascular phenotype. Last evaluated: 2023-10-23. Review status: criteria provided, single submitter. Criteria: Ambry Variant Classification Scheme 2023. Collection method: clinical testing. Allele origin: germline.
Comment: The c.2685G>A variant (also known as p.A895A), located in coding exon 19 of the MYH6 gene, results from a G to A substitution at nucleotide position 2685. This nucleotide substitution does not change the alanine at codon 895. However, this change occurs in the last base pair of coding exon 19, which makes it likely to have some effect on normal mRNA splicing. This nucleotide position is not well conserved in available vertebrate species. In silico splice site analysis predicts that this alteration may result in the creation or strengthening of a novel splice donor site. Since supporting evidence is limited at this time, the clinical significance of this alteration remains unclear.

GeneDx
Classification: Uncertain significance. Last evaluated: 2021-02-17. Review status: criteria provided, single submitter. Criteria: GeneDx Variant Classification Process June 2021. Collection method: clinical testing. Allele origin: germline. Affected: yes.
Comment: Has not been previously published as pathogenic or benign to our knowledge; In-silico analysis is inconclusive as to whether the variant alters gene splicing; in the absence of RNA/functional studies, the actual effect of this sequence change is unknown

Molecular Diagnostic Laboratory for Inherited Cardiovascular Disease, Montreal Heart Institute
Classification: Benign. Last evaluated: 2020-03-05. Review status: criteria provided, single submitter. Criteria: ACMG Guidelines, 2015. Collection method: clinical testing. Allele origin: germline. Affected: yes.

NM_002471.4(MYH6):c.2685G>A (p.Ala895=)

Gene: MYH6 (myosin heavy chain 6; minus strand). Cytogenetic location: 14q11.2.
Variant type: single nucleotide variant.
Coding change: c.2685G>A on transcript NM_002471.4 (MANE Select); coding-DNA position 2685, G replaced by A.
Protein change: p.Ala895=; no amino-acid change (alanine 895 retained).
Molecular consequence: synonymous variant.
Genome position (GRCh38, 1-based): chr14:23,394,068, C>T on the plus strand (G>A on the coding strand, the complement: MYH6 is on the minus strand). VCF-style: chr14-23394068-C-T. GRCh37 (hg19) VCF-style: chr14-23863277-C-T.
Identifiers: ClinVar variation 978299 (VCV000978299.16), dbSNP rs752345245, ClinGen allele CA7115413.